The following is an entry in ClinVar:

ClinVar aggregate classification (germline): Uncertain significance (1 of 4 stars; one submission).

Conditions:
Atrioventricular septal defect 5 (AVSD5). Identifiers: MedGen C3280939, MONDO:0013769, OMIM 614474.

Allele frequency attached by ClinVar (database versions not stated): gnomAD exomes below 0.00001.

Submission:

Labcorp Genetics (formerly Invitae), Labcorp
Classification: Uncertain significance for Atrioventricular septal defect 5. Last evaluated: 2022-02-18. Review status: criteria provided, single submitter. Criteria: Invitae Variant Classification Sherloc (09022015). Collection method: clinical testing. Allele origin: germline.
Comment: This sequence change replaces tyrosine, which is neutral and polar, with cysteine, which is neutral and slightly polar, at codon 265 of the GATA6 protein (p.Tyr265Cys). The frequency data for this variant in the population databases is considered unreliable, as metrics indicate insufficient coverage at this position in the gnomAD database. In summary, the available evidence is currently insufficient to determine the role of this variant in disease. Therefore, it has been classified as a Variant of Uncertain Significance. Algorithms developed to predict the effect of missense changes on protein structure and function are either unavailable or do not agree on the potential impact of this missense change (SIFT: "Tolerated"; PolyPhen-2: "Probably Damaging"; Align-GVGD: "Class C0"). This variant has not been reported in the literature in individuals affected with GATA6-related conditions.

NM_005257.6(GATA6):c.794A>G (p.Tyr265Cys)

Gene: GATA6 (GATA binding protein 6; plus strand). Cytogenetic location: 18q11.2.
Variant type: single nucleotide variant.
Coding change: c.794A>G on transcript NM_005257.6 (MANE Select); coding-DNA position 794, A replaced by G.
Protein change: p.Tyr265Cys; replaces tyrosine 265 with cysteine.
Molecular consequence: missense variant.
Genome position (GRCh38, 1-based): chr18:22,171,938, A>G. VCF-style: chr18-22171938-A-G. GRCh37 (hg19) VCF-style: chr18-19751899-A-G.
Other names: short protein forms Y265C.
Identifiers: ClinVar variation 2099075 (VCV002099075.4), dbSNP rs1194239826, ClinGen allele CA401800844.